The following is an entry in ClinVar:

NM_033380.3(COL4A5):c.1120G>A (p.Gly374Arg)

Gene: COL4A5 (collagen type IV alpha 5 chain; plus strand). Cytogenetic location: Xq22.3.
Variant type: single nucleotide variant.
Coding change: c.1120G>A on transcript NM_033380.3 (MANE Select); coding-DNA position 1120, G replaced by A.
Protein change: p.Gly374Arg; replaces glycine 374 with arginine.
Molecular consequence: missense variant.
Genome position (GRCh38, 1-based): chrX:108,586,702, G>A. VCF-style: chrX-108586702-G-A. GRCh37 (hg19) VCF-style: chrX-107829932-G-A.
Other names: c.1120G>A, p.Gly374Arg (NM_000495.5); short protein forms G374R.
Identifiers: ClinVar variation 870363 (VCV000870363.14), dbSNP rs2066342176, ClinGen allele CA413930686.

ClinVar aggregate classification (germline): Pathogenic/Likely pathogenic. Review status: criteria provided, multiple submitters, no conflicts (2 of 4 stars). 6 submissions from 6 submitters: Pathogenic (3); Likely pathogenic (3). Last evaluated 2026-01-26.

Conditions:
X-linked Alport syndrome (ATS1). Also called: NEPHROPATHY AND DEAFNESS, X-LINKED; COL4A5-Related Nephropathy. Identifiers: Orphanet 63, Orphanet 88917, MedGen C4746986, MONDO:0010520, OMIM 301050.

Submissions (6):

Medical and Scientific Branch, Hong Kong Genome Institute
Classification: Pathogenic for X-linked Alport syndrome. Last evaluated: 2026-01-26. Review status: criteria provided, single submitter. Criteria: ACMG Guidelines, 2015. Collection method: clinical testing. Allele origin: unknown. Affected: yes.

Labcorp Genetics (formerly Invitae), Labcorp
Classification: Pathogenic. Last evaluated: 2025-06-12. Review status: criteria provided, single submitter. Criteria: Invitae Variant Classification Sherloc (09022015). Collection method: clinical testing. Allele origin: germline.
Comment: This sequence change replaces glycine, which is neutral and non-polar, with arginine, which is basic and polar, at codon 374 of the COL4A5 protein (p.Gly374Arg). This variant is not present in population databases (gnomAD no frequency). This missense change has been observed in individuals with clinical features of X-linked COL4A5-related conditions (PMID: 30577881, 33369211). ClinVar contains an entry for this variant (Variation ID: 870363). Invitae Evidence Modeling of protein sequence and biophysical properties (such as structural, functional, and spatial information, amino acid conservation, physicochemical variation, residue mobility, and thermodynamic stability) indicates that this missense variant is expected to disrupt COL4A5 protein function with a positive predictive value of 95%. This variant disrupts the triple helix domain of COL4A5. Glycine residues within the Gly-Xaa-Yaa repeats of the triple helix domain are required for the structure and stability of fibrillar collagens (PMID: 7695699, 8218237, 19344236). In COL4A5, missense variants at these glycine residues are significantly enriched in individuals with disease (PMID: 23720012, 27627812) compared to the general population (ExAC). This variant disrupts the p.Gly374 amino acid residue in COL4A5. Other variant(s) that disrupt this residue have been observed in individuals with COL4A5-related conditions (PMID: 30577881; internal data), which suggests that this may be a clinically significant amino acid residue. For these reasons, this variant has been classified as Pathogenic.

3billion
Classification: Likely pathogenic for X-linked Alport syndrome. Last evaluated: 2022-09-01. Review status: criteria provided, single submitter. Criteria: ACMG Guidelines, 2015. Collection method: clinical testing. Allele origin: germline. Affected: yes. Observed: 1 heterozygote.
Comment: The variant is not observed in the gnomAD v2.1.1 dataset. It is located in a mutational hot spot and/or well-established functional domain in which established pathogenic variants have been reported. Missense changes are a common disease-causing mechanism. In silico tool predictions suggest damaging effect of the variant on gene or gene product (REVEL: 0.95; 3Cnet: 0.98). Same nucleotide change resulting in same amino acid change (ClinVar ID: VCV000870363 ) and different missense changes at the same codon (p.Gly374Ala, p.Gly374Val; PMID: 30577881 , 8651296 ) have been previously reported to be associated with COL4A5--related disorder . Therefore, this variant is classified as Likely pathogenic according to the recommendation of ACMG/AMP guideline.

Greenwood Genetic Center Diagnostic Laboratories, Greenwood Genetic Center
Classification: Likely pathogenic for X-linked Alport syndrome. Last evaluated: 2022-06-30. Review status: criteria provided, single submitter. Criteria: ACMG Guidelines, 2015. Collection method: clinical testing. Allele origin: germline. Affected: yes.
Comment: PS4_Moderate, PM1, PM2, PM5_Supporting, PP3

Fulgent Genetics
Classification: Pathogenic for X-linked Alport syndrome. Last evaluated: 2022-03-31. Review status: criteria provided, single submitter. Criteria: ACMG Guidelines, 2015. Collection method: clinical testing. Allele origin: unknown.

Medical Genetics, University of Parma
Classification: Likely pathogenic for X-linked Alport syndrome. Last evaluated: 2020-03-11. Review status: criteria provided, single submitter. Criteria: ACMG Guidelines, 2015. Collection method: clinical testing. Allele origin: germline. Affected: yes.

Literature cited by the submitters: PubMed 30577881 (cited by Labcorp Genetics (formerly Invitae), Labcorp and 3billion); PubMed 33369211 (cited by Labcorp Genetics (formerly Invitae), Labcorp); PubMed 7695699 (cited by Labcorp Genetics (formerly Invitae), Labcorp); PubMed 8218237 (cited by Labcorp Genetics (formerly Invitae), Labcorp); PubMed 19344236 (cited by Labcorp Genetics (formerly Invitae), Labcorp); PubMed 23720012 (cited by Labcorp Genetics (formerly Invitae), Labcorp); PubMed 27627812 (cited by Labcorp Genetics (formerly Invitae), Labcorp); PubMed 8651296 (cited by 3billion).